The following is an entry in ClinVar:

NM_024598.4(USB1):c.80G>C (p.Gly27Ala)

Genes: USB1 (U6 snRNA biogenesis phosphodiesterase 1; plus strand), LOC130059131 (ATAC-STARR-seq lymphoblastoid active region 10920; plus strand). Cytogenetic location: 16q21.
Variant type: single nucleotide variant.
Coding change: c.80G>C on transcript NM_024598.4 (MANE Select); coding-DNA position 80, G replaced by C.
Protein change: p.Gly27Ala; replaces glycine 27 with alanine.
Molecular consequence: missense variant. On other transcripts: intron variant (1).
Genome position (GRCh38, 1-based): chr16:58,001,563, G>C. VCF-style: chr16-58001563-G-C. GRCh37 (hg19) VCF-style: chr16-58035467-G-C.
Other names: c.80G>C, p.Gly27Ala (NM_001195302.2, NM_001204911.2, NM_001330569.2); c.-55-916G>C (NM_001330568.2); short protein forms G27A.
Identifiers: ClinVar variation 3813914 (VCV003813914.1).
Genomic context (GRCh38, chr16:58,001,563, plus strand): 5'-TGGGCTACAGCAGCAGCGGCTCCGAGGATGAGTCCGAGGACGGGATGCGGACCAGGCCGG[G>C]GGATGGGAGCCACCGTCGGTGAGGAGTGAGGAAGTCTCTCCGGAGGGCGCGCGCATTCAC-3'
Protein context (NP_078874.2, residues 17-37): ESEDGMRTRP[Gly27Ala]DGSHRRGQSP

ClinVar aggregate classification (germline): Uncertain significance (1 of 4 stars; one submission).

Conditions:
Inborn genetic diseases. Identifiers: MedGen C0950123, MeSH D030342.

gnomAD v4.1: 7 of 1,608,626 alleles (0.00044%); highest among the groups gnomAD compares: Non-Finnish European, 0.00059%; no homozygotes.

Submission:

Ambry Genetics
Classification: Uncertain significance for Inborn genetic diseases. Last evaluated: 2025-03-07. Review status: criteria provided, single submitter. Criteria: Ambry Variant Classification Scheme 2023. Collection method: clinical testing. Allele origin: germline.
Comment: The p.G27A variant (also known as c.80G>C), located in coding exon 1 of the USB1 gene, results from a G to C substitution at nucleotide position 80. The glycine at codon 27 is replaced by alanine, an amino acid with similar properties. This amino acid position is conserved. In addition, this alteration is predicted to be tolerated by in silico analysis. Based on the available evidence, the clinical significance of this variant remains unclear.